The following is an entry in ClinVar:

ClinVar aggregate classification (germline): Uncertain significance (1 of 4 stars; one submission).

gnomAD v4.1: 1 of 1,200,166 alleles (0.000083%); highest among the groups gnomAD compares: African/African-American, 0.0017%; no homozygotes.

Submission:

GeneDx
Classification: Uncertain significance. Last evaluated: 2026-04-04. Review status: criteria provided, single submitter. Criteria: GeneDx Variant Classification Process June 2021. Collection method: clinical testing. Allele origin: germline.
Comment: In silico analysis suggests that this missense variant does not alter protein structure/function; Has not been previously published as pathogenic or benign to our knowledge

NM_031407.7(HUWE1):c.10471T>C (p.Ser3491Pro)

Gene: HUWE1 (HECT, UBA and WWE domain containing E3 ubiquitin protein ligase 1; minus strand). Cytogenetic location: Xp11.22.
Variant type: single nucleotide variant.
Coding change: c.10471T>C on transcript NM_031407.7 (MANE Select); coding-DNA position 10471, T replaced by C.
Protein change: p.Ser3491Pro; replaces serine 3491 with proline.
Molecular consequence: missense variant.
Genome position (GRCh38, 1-based): chrX:53,547,838, A>G on the plus strand (T>C on the coding strand, the complement: HUWE1 is on the minus strand). VCF-style: chrX-53547838-A-G. GRCh37 (hg19) VCF-style: chrX-53574799-A-G.
Other names: short protein forms S3491P.
Identifiers: ClinVar variation 3767741 (VCV003767741.2).